The following is an entry in ClinVar:

NM_018089.3(ANKZF1):c.1964G>T (p.Arg655Leu)

Gene: ANKZF1 (ankyrin repeat and zinc finger peptidyl tRNA hydrolase 1; plus strand). Cytogenetic location: 2q35.
Variant type: single nucleotide variant.
Coding change: c.1964G>T on transcript NM_018089.3 (MANE Select); coding-DNA position 1964, G replaced by T.
Protein change: p.Arg655Leu; replaces arginine 655 with leucine.
Molecular consequence: missense variant.
Genome position (GRCh38, 1-based): chr2:219,235,868, G>T. VCF-style: chr2-219235868-G-T. GRCh37 (hg19) VCF-style: chr2-220100590-G-T.
Other names: c.1964G>T, p.Arg655Leu (NM_001042410.2); c.1334G>T, p.Arg445Leu (NM_001282792.2); short protein forms R445L, R655L.
Identifiers: ClinVar variation 1721006 (VCV001721006.5), dbSNP rs759912179, ClinGen allele CA350688320.

ClinVar aggregate classification (germline): Uncertain significance (1 of 4 stars; one submission).

gnomAD v4.1: 3 of 1,614,170 alleles (0.00019%); highest among the groups gnomAD compares: Non-Finnish European, 0.00025%; no homozygotes.

Submission:

Labcorp Genetics (formerly Invitae), Labcorp
Classification: Uncertain significance. Last evaluated: 2022-10-05. Review status: criteria provided, single submitter. Criteria: Invitae Variant Classification Sherloc (09022015). Collection method: clinical testing. Allele origin: germline.
Comment: This variant is present in population databases (no rsID available, gnomAD 0.006%). This variant has not been reported in the literature in individuals affected with ANKZF1-related conditions. Algorithms developed to predict the effect of missense changes on protein structure and function are either unavailable or do not agree on the potential impact of this missense change (SIFT: "Tolerated"; PolyPhen-2: "Probably Damaging"; Align-GVGD: "Class C0"). In summary, the available evidence is currently insufficient to determine the role of this variant in disease. Therefore, it has been classified as a Variant of Uncertain Significance. This sequence change replaces arginine, which is basic and polar, with leucine, which is neutral and non-polar, at codon 655 of the ANKZF1 protein (p.Arg655Leu).